The following is an entry in ClinVar:

NM_001378778.1(MPDZ):c.6067-10T>G

Gene: MPDZ (multiple PDZ domain crumbs cell polarity complex component; minus strand). Cytogenetic location: 9p23.
Variant type: single nucleotide variant.
Coding change: c.6067-10T>G on transcript NM_001378778.1 (MANE Select); 10 bases into the intron before coding-DNA position 6067, T replaced by G.
Molecular consequence: intron variant.
Genome position (GRCh38, 1-based): chr9:13,107,121, A>C on the plus strand (T>G on the coding strand, the complement: MPDZ is on the minus strand). VCF-style: chr9-13107121-A-C. GRCh37 (hg19) VCF-style: chr9-13107120-A-C.
Other names: c.5770-10T>G (NM_001375425.1, NM_001375426.1); c.5857-10T>G (NM_001375420.1, NM_001375423.1, NM_001375424.1 and 2 more transcripts); c.5881-10T>G (NM_001375419.1, NM_001261407.2); c.5968-10T>G (NM_001375416.1, NM_001375418.1, NM_001261406.2 and 1 more transcripts); c.6067-10T>G (NM_001330637.2); c.5659-10T>G (NM_001375427.1); c.5980-10T>G (NM_003829.5); c.6166-10T>G (NM_001375413.1).
Identifiers: ClinVar variation 2148783 (VCV002148783.4), dbSNP rs1164552368, ClinGen allele CA586217048.

ClinVar aggregate classification (germline): Uncertain significance (1 of 4 stars; one submission).

Allele frequency attached by ClinVar (database versions not stated): TOPMed 0.00002.
gnomAD v4.1: 2 of 1,556,384 alleles (0.00013%); highest among the groups gnomAD compares: East Asian, 0.0046%; no homozygotes.

Submission:

Labcorp Genetics (formerly Invitae), Labcorp
Classification: Uncertain significance. Last evaluated: 2022-09-20. Review status: criteria provided, single submitter. Criteria: Invitae Variant Classification Sherloc (09022015). Collection method: clinical testing. Allele origin: germline.
Comment: In summary, the available evidence is currently insufficient to determine the role of this variant in disease. Therefore, it has been classified as a Variant of Uncertain Significance. Algorithms developed to predict the effect of sequence changes on RNA splicing suggest that this variant may disrupt the consensus splice site. This variant has not been reported in the literature in individuals affected with MPDZ-related conditions. This variant is present in population databases (no rsID available, gnomAD 0.01%). This sequence change falls in intron 45 of the MPDZ gene. It does not directly change the encoded amino acid sequence of the MPDZ protein.